The following is an entry in ClinVar:

NM_002299.4(LCT):c.2760C>T (p.Gly920=)

Gene: LCT (lactase; minus strand). Cytogenetic location: 2q21.3.
Variant type: single nucleotide variant.
Coding change: c.2760C>T on transcript NM_002299.4 (MANE Select); coding-DNA position 2760, C replaced by T.
Protein change: p.Gly920=; no amino-acid change (glycine 920 retained).
Molecular consequence: synonymous variant.
Genome position (GRCh38, 1-based): chr2:135,809,587, G>A on the plus strand (C>T on the coding strand, the complement: LCT is on the minus strand). VCF-style: chr2-135809587-G-A. GRCh37 (hg19) VCF-style: chr2-136567157-G-A.
Other names: c.2760C>T (LRG_338t1).
Identifiers: ClinVar variation 331194 (VCV000331194.14), dbSNP rs200579267, ClinGen allele CA1888168.
Genomic context (GRCh38, chr2:135,809,587, plus strand): 5'-CCCTGGTGTGTGGGTAAAGTTATCCCAGATGCTGGGGCCTTTGCCATCGGCATCCCACGC[G>A]CCTTCAATCTGATAAGCGGAAGAGGACACGCCCCACAGAAAGTCATCCCGAAACGTCCCG-3'
Protein context (NP_002290.2, residues 910-930): GVSSSAYQIE[Gly920=]AWDADGKGPS

ClinVar aggregate classification (germline): Benign/Likely benign. Review status: criteria provided, multiple submitters, no conflicts (2 of 4 stars). 2 submissions from 2 submitters: Benign (1); Likely benign (1). Last evaluated 2026-05-11.

Conditions:
LCT-related disorder. Also called: LCT-related condition.

Allele frequency attached by ClinVar (database versions not stated): 1000 Genomes Project 30x 0.00031; 1000 Genomes Project 0.00040; gnomAD 0.00043 and 0.00047; ESP Exome Variant Server 0.00054; TOPMed 0.00058; gnomAD exomes 0.00073 and 0.00079; ExAC 0.00079.
gnomAD v4.1: 1,130 of 1,614,172 alleles (0.07%); highest among the groups gnomAD compares: East Asian, 0.21%; 1 homozygote.

Submissions (2):

PreventionGenetics, part of Exact Sciences
Classification: Likely benign for LCT-related condition. Last evaluated: 2026-05-11. Review status: criteria provided, single submitter. Criteria: ACMG Guidelines, 2015. Collection method: clinical testing. Allele origin: germline.
Comment: This variant is classified as likely benign based on ACMG/AMP sequence variant interpretation guidelines (Richards et al. 2015 PMID: 25741868, with internal and published modifications).

Labcorp Genetics (formerly Invitae), Labcorp
Classification: Benign. Last evaluated: 2026-01-20. Review status: criteria provided, single submitter. Criteria: Invitae Variant Classification Sherloc (09022015). Collection method: clinical testing. Allele origin: germline.